The following is an entry in ClinVar:

NM_080680.3(COL11A2):c.4249G>C (p.Gly1417Arg)

Gene: COL11A2 (collagen type XI alpha 2 chain; minus strand). Cytogenetic location: 6p21.32.
Variant type: single nucleotide variant.
Coding change: c.4249G>C on transcript NM_080680.3 (MANE Select); coding-DNA position 4249, G replaced by C.
Protein change: p.Gly1417Arg; replaces glycine 1417 with arginine.
Molecular consequence: missense variant.
Genome position (GRCh38, 1-based): chr6:33,166,809, C>G on the plus strand (G>C on the coding strand, the complement: COL11A2 is on the minus strand). VCF-style: chr6-33166809-C-G. GRCh37 (hg19) VCF-style: chr6-33134586-C-G.
Other names: c.4069G>C, p.Gly1357Arg (NM_001424108.1); c.3403G>C, p.Gly1135Arg (NM_001424109.1); c.3223G>C, p.Gly1075Arg (NM_001424110.1, NM_001424111.1); c.2203G>C, p.Gly735Arg (NM_001424112.1); c.3928G>C, p.Gly1310Arg (NM_080679.3); c.3991G>C, p.Gly1331Arg (NM_080681.3); short protein forms G1075R, G1135R, G1310R, G1331R, G1357R, G1417R, G735R.
Identifiers: ClinVar variation 3360165 (VCV003360165.1).

ClinVar aggregate classification (germline): Uncertain significance (1 of 4 stars; one submission).

Submission:

GeneDx
Classification: Uncertain significance. Last evaluated: 2024-02-23. Review status: criteria provided, single submitter. Criteria: GeneDx Variant Classification Process June 2021. Collection method: clinical testing. Allele origin: germline. Affected: yes.
Comment: Has not been previously published as pathogenic or benign to our knowledge; Not observed at significant frequency in large population cohorts (gnomAD); In silico analysis supports that this missense variant has a deleterious effect on protein structure/function